The following is an entry in ClinVar:

NM_078470.6(COX15):c.1046T>C (p.Leu349Pro)

Gene: COX15 (cytochrome c oxidase assembly factor COX15; minus strand). Cytogenetic location: 10q24.2.
Variant type: single nucleotide variant.
Coding change: c.1046T>C on transcript NM_078470.6 (MANE Select); coding-DNA position 1046, T replaced by C.
Protein change: p.Leu349Pro; replaces leucine 349 with proline.
Molecular consequence: missense variant. On other transcripts: synonymous variant (2), non-coding transcript variant (1).
Genome position (GRCh38, 1-based): chr10:99,716,403, A>G on the plus strand (T>C on the coding strand, the complement: COX15 is on the minus strand). VCF-style: chr10-99716403-A-G. GRCh37 (hg19) VCF-style: chr10-101476160-A-G.
Other names: c.1046T>C, p.Leu349Pro (NM_001320974.2, NM_001372024.1, NM_001372027.1 and 1 more transcripts); c.891T>C, p.Pro297= (NM_001320975.2, NM_001372028.1); c.509T>C, p.Leu170Pro (NM_001320976.2); c.1064T>C, p.Leu355Pro (NM_001372025.1); c.1019T>C, p.Leu340Pro (NM_001372026.1); short protein forms L355P, L170P, L349P, L340P.
Identifiers: ClinVar variation 1991178 (VCV001991178.4), dbSNP rs2492667881, ClinGen allele CA378101586.

ClinVar aggregate classification (germline): Uncertain significance. Review status: criteria provided, multiple submitters, no conflicts (2 of 4 stars). 2 submissions from 2 submitters: Uncertain significance (2). Last evaluated 2024-10-29.

Conditions:
Inborn genetic diseases. Identifiers: MedGen C0950123, MeSH D030342.

Submissions (2):

Labcorp Genetics (formerly Invitae), Labcorp
Classification: Uncertain significance. Last evaluated: 2024-10-29. Review status: criteria provided, single submitter. Criteria: Invitae Variant Classification Sherloc (09022015). Collection method: clinical testing. Allele origin: germline.
Comment: This sequence change replaces leucine, which is neutral and non-polar, with proline, which is neutral and non-polar, at codon 349 of the COX15 protein (p.Leu349Pro). This variant is not present in population databases (gnomAD no frequency). This variant has not been reported in the literature in individuals affected with COX15-related conditions. ClinVar contains an entry for this variant (Variation ID: 1991178). An algorithm developed to predict the effect of missense changes on protein structure and function (PolyPhen-2) suggests that this variant is likely to be disruptive. In summary, the available evidence is currently insufficient to determine the role of this variant in disease. Therefore, it has been classified as a Variant of Uncertain Significance.

Ambry Genetics
Classification: Uncertain significance for Inborn genetic diseases. Last evaluated: 2022-06-03. Review status: criteria provided, single submitter. Criteria: Ambry Variant Classification Scheme 2023. Collection method: clinical testing. Allele origin: germline.